The following is an entry in ClinVar:

NM_018389.5(SLC35C1):c.598G>A (p.Val200Ile)

Gene: SLC35C1 (solute carrier family 35 member C1; plus strand). Cytogenetic location: 11p11.2.
Variant type: single nucleotide variant.
Coding change: c.598G>A on transcript NM_018389.5 (MANE Select); coding-DNA position 598, G replaced by A.
Protein change: p.Val200Ile; replaces valine 200 with isoleucine.
Molecular consequence: missense variant.
Genome position (GRCh38, 1-based): chr11:45,810,838, G>A. VCF-style: chr11-45810838-G-A. GRCh37 (hg19) VCF-style: chr11-45832389-G-A.
Other names: c.559G>A, p.Val187Ile (NM_001145265.2, NM_001145266.2); short protein forms V200I, V187I.
Identifiers: ClinVar variation 530701 (VCV000530701.19), dbSNP rs146971634, ClinGen allele CA5958291.
Genomic context (GRCh38, chr11:45,810,838, plus strand): 5'-GGCTTCTGGCTTGGTGTGGACCAGGAGGGGGCAGAAGGCACCCTGTCGTGGCTGGGCACC[G>A]TCTTCGGCGTGCTGGCTAGCCTCTGTGTCTCGCTCAACGCCATCTACACCACGAAGGTGC-3'
Protein context (NP_060859.4, residues 190-210): AEGTLSWLGT[Val200Ile]FGVLASLCVS

ClinVar aggregate classification (germline): Conflicting classifications of pathogenicity. Review status: criteria provided, conflicting classifications (1 of 4 stars). 5 submissions from 5 submitters: Uncertain significance (1); Likely benign (3). 1 of the submissions does not count toward it. Last evaluated 2026-01-06.

Conditions:
Inborn genetic diseases. Identifiers: MedGen C0950123, MeSH D030342.
Leukocyte adhesion deficiency type II. Also called: Congenital disorder of glycosylation type 2C; CDG 2C; Leukocyte adhesion deficiency type 2; Rambam Hasharon syndrome; CONGENITAL DISORDER OF GLYCOSYLATION, TYPE IIc; CDG IIc. Identifiers: Orphanet 2968, Orphanet 99843, MedGen C0398739, MONDO:0009953, OMIM 266265.

Allele frequency attached by ClinVar (database versions not stated): gnomAD exomes 0.00028; ExAC 0.00035; ESP Exome Variant Server 0.00100; gnomAD 0.00109 and 0.00118; TOPMed 0.00126; 1000 Genomes Project 30x 0.00172; 1000 Genomes Project 0.00180.
gnomAD v4.1: 350 of 1,612,388 alleles (0.022%); highest among the groups gnomAD compares: African/African-American, 0.36%; 2 homozygotes.

Submissions (5):

Labcorp Genetics (formerly Invitae), Labcorp
Classification: Likely benign for Leukocyte adhesion deficiency type II. Last evaluated: 2026-01-06. Review status: criteria provided, single submitter. Criteria: Invitae Variant Classification Sherloc (09022015). Collection method: clinical testing. Allele origin: germline.

Blueprint Genetics
Classification: Likely benign. Last evaluated: 2024-07-30. Review status: criteria provided, single submitter. Criteria: ACMG Guidelines, 2015. Collection method: clinical testing. Allele origin: germline.

Ambry Genetics
Classification: Uncertain significance for Inborn genetic diseases. Last evaluated: 2021-07-09. Review status: criteria provided, single submitter. Criteria: Ambry Variant Classification Scheme 2023. Collection method: clinical testing. Allele origin: germline.

Breakthrough Genomics
Classification: Likely benign. Review status: criteria provided, single submitter. Criteria: ACMG Guidelines, 2015. Collection method: not provided. Allele origin: germline. Inheritance: Autosomal recessive inheritance. Affected: yes.

Department of Pathology and Laboratory Medicine, Sinai Health System
Classification: Likely benign. Review status: no assertion criteria provided. Collection method: clinical testing. Allele origin: unknown. Affected: yes. Study: The Canadian Open Genetics Repository (COGR). Not counted in ClinVar's aggregate classification.
Comment: The SLC35C1 p.Val187Ile variant was not identified in the literature nor was it identified in Cosmic or LOVD 3.0. The variant was identified in dbSNP (ID: rs146971634) and ClinVar (classified as likely benign). The variant was also identified in control databases in 107 of 280140 chromosomes (1 homozygous) at a frequency of 0.000382 increasing the likelihood this could be a low frequency benign variant (Genome Aggregation Database Feb 27, 2017). The variant was observed in the following populations: African in 94 of 24732 chromosomes (freq: 0.003801), Other in 3 of 7176 chromosomes (freq: 0.000418), Latino in 7 of 35384 chromosomes (freq: 0.000198), South Asian in 1 of 30614 chromosomes (freq: 0.000033) and European (non-Finnish) in 2 of 128374 chromosomes (freq: 0.000016), while the variant was not observed in the Ashkenazi Jewish, East Asian, and European (Finnish) populations. The p.Val187 residue is not conserved in mammals and computational analyses (PolyPhen-2, SIFT, AlignGVGD, BLOSUM, MutationTaster) do not suggest a high likelihood of impact to the protein; however, this information is not predictive enough to rule out pathogenicity. The variant occurs outside of the splicing consensus sequence and in silico or computational prediction software programs (SpliceSiteFinder, MaxEntScan, NNSPLICE, GeneSplicer) do not predict a difference in splicing. In summary, based on the above information the clinical significance of this variant cannot be determined with certainty at this time although we would lean towards a more benign role for this variant. This variant is classified as likely benign.